The following is an entry in ClinVar:

NM_000038.6(APC):c.1632T>C (p.Ile544=)

Gene: APC (APC regulator of Wnt signaling pathway; plus strand). Cytogenetic location: 5q22.2.
Variant type: single nucleotide variant.
Coding change: c.1632T>C on transcript NM_000038.6 (MANE Select); coding-DNA position 1632, T replaced by C.
Protein change: p.Ile544=; no amino-acid change (isoleucine 544 retained).
Molecular consequence: synonymous variant.
Genome position (GRCh38, 1-based): chr5:112,828,861, T>C. VCF-style: chr5-112828861-T-C. GRCh37 (hg19) VCF-style: chr5-112164558-T-C.
Other names: c.1632T>C, p.Ile544= (NM_001127510.3, NM_001354895.2); c.1578T>C, p.Ile526= (NM_001127511.3); c.1686T>C, p.Ile562= (NM_001354896.2); c.1662T>C, p.Ile554= (NM_001354897.2); c.1557T>C, p.Ile519= (NM_001354898.2); c.1548T>C, p.Ile516= (NM_001354899.2); c.1509T>C, p.Ile503= (NM_001354900.2); c.1455T>C, p.Ile485= (NM_001354901.2); and 5 more.
Identifiers: ClinVar variation 537672 (VCV000537672.19), dbSNP rs758661066, ClinGen allele CA028872.

ClinVar aggregate classification (germline): Benign/Likely benign. Review status: criteria provided, multiple submitters, no conflicts (2 of 4 stars). 5 submissions from 5 submitters: Benign (1); Likely benign (4). Last evaluated 2025-12-03.

Conditions:
Hereditary cancer-predisposing syndrome. Also called: Tumor predisposition; Hereditary Cancer Syndrome; Hereditary neoplastic syndrome; Neoplastic Syndromes, Hereditary. Identifiers: Orphanet 140162, MedGen C0027672, MeSH D009386, MONDO:0015356.
Classic or attenuated familial adenomatous polyposis. Identifiers: MedGen CN372698, MONDO:0021057.
Familial adenomatous polyposis 1 (FAP1). Also called: FAMILIAL ADENOMATOUS POLYPOSIS 1, ATTENUATED; POLYPOSIS, ADENOMATOUS INTESTINAL. Identifiers: MedGen C2713442, MONDO:0021056, OMIM 175100. Disease mechanism: loss of function.

Allele frequency attached by ClinVar (database versions not stated): gnomAD exomes below 0.00001 and 0.00001; ExAC 0.00001.
gnomAD v4.1: 3 of 1,608,030 alleles (0.00019%); highest among the groups gnomAD compares: Non-Finnish European, 0.00026%; no homozygotes.

Submissions (5):

Labcorp Genetics (formerly Invitae), Labcorp
Classification: Likely benign for Familial adenomatous polyposis 1. Last evaluated: 2025-12-03. Review status: criteria provided, single submitter. Criteria: Invitae Variant Classification Sherloc (09022015). Collection method: clinical testing. Allele origin: germline.

All of Us Research Program, National Institutes of Health
Classification: Likely benign for Classic or attenuated familial adenomatous polyposis. Last evaluated: 2024-04-16. Review status: criteria provided, single submitter. Criteria: ACMG Guidelines, 2015. Collection method: clinical testing. Allele origin: germline. Inheritance: Autosomal dominant inheritance. Observed: 1 variant allele, 1 heterozygote.
Comment: This study involves interpretation of variants in research participants for the purpose of population health screening. Participant phenotype was not available at the time of variant classification. Additional details can be found in publication PMID: 35346344, PMCID: PMC8962531

Myriad Genetics, Inc.
Classification: Benign for Familial adenomatous polyposis 1. Last evaluated: 2024-03-06. Review status: criteria provided, single submitter. Criteria: Myriad Autosomal Dominant, Autosomal Recessive and X-Linked Classification Criteria (2023). Collection method: clinical testing. Allele origin: unknown.
Comment: This variant is considered benign. This variant is a silent/synonymous amino acid change and it is not expected to impact splicing.

Color Diagnostics, LLC DBA Color Health
Classification: Likely benign for Hereditary cancer-predisposing syndrome. Last evaluated: 2019-09-09. Review status: criteria provided, single submitter. Criteria: ACMG Guidelines, 2015. Collection method: clinical testing. Allele origin: germline.

Ambry Genetics
Classification: Likely benign for Hereditary cancer-predisposing syndrome. Last evaluated: 2018-12-11. Review status: criteria provided, single submitter. Criteria: Ambry Variant Classification Scheme 2023. Collection method: clinical testing. Allele origin: germline.